The following is an entry in ClinVar:

NM_031935.3(HMCN1):c.9392G>A (p.Arg3131Lys)

Gene: HMCN1 (hemicentin 1; plus strand). Cytogenetic location: 1q31.1.
Variant type: single nucleotide variant.
Coding change: c.9392G>A on transcript NM_031935.3 (MANE Select); coding-DNA position 9392, G replaced by A.
Protein change: p.Arg3131Lys; replaces arginine 3131 with lysine.
Molecular consequence: missense variant.
Genome position (GRCh38, 1-based): chr1:186,087,960, G>A. VCF-style: chr1-186087960-G-A. GRCh37 (hg19) VCF-style: chr1-186057092-G-A.
Other names: c.9392G>A (NM_031935.2); short protein forms R3131K.
Identifiers: ClinVar variation 1561772 (VCV001561772.10), dbSNP rs113241441, ClinGen allele CA1293407.

ClinVar aggregate classification (germline): Likely benign. Review status: criteria provided, single submitter (1 of 4 stars). 2 submissions from 2 submitters: Likely benign (1). 1 of the submissions does not count toward it. Last evaluated 2026-01-26.

Conditions:
HMCN1-related disorder. Also called: HMCN1-related condition.

Allele frequency attached by ClinVar (database versions not stated): gnomAD exomes 0.00004 and 0.00018; ExAC 0.00017; gnomAD 0.00065 and 0.00072; TOPMed 0.00068; ESP Exome Variant Server 0.00092.
gnomAD v4.1: 172 of 1,613,008 alleles (0.011%); highest among the groups gnomAD compares: African/African-American, 0.2%; no homozygotes.

Submissions (2):

Labcorp Genetics (formerly Invitae), Labcorp
Classification: Likely benign. Last evaluated: 2026-01-26. Review status: criteria provided, single submitter. Criteria: Invitae Variant Classification Sherloc (09022015). Collection method: clinical testing. Allele origin: germline.

PreventionGenetics, part of Exact Sciences
Classification: Likely benign for HMCN1-related condition. Last evaluated: 2019-08-12. Review status: no assertion criteria provided. Collection method: clinical testing. Allele origin: germline. Not counted in ClinVar's aggregate classification.
Comment: This variant is classified as likely benign based on ACMG/AMP sequence variant interpretation guidelines (Richards et al. 2015 PMID: 25741868, with internal and published modifications).